The following is an entry in ClinVar:

NM_015178.3(RHOBTB2):c.483-1G>C

Gene: RHOBTB2 (Rho related BTB domain containing 2; plus strand). Cytogenetic location: 8p21.3.
Variant type: single nucleotide variant.
Coding change: c.483-1G>C on transcript NM_015178.3 (MANE Select); the canonical splice acceptor site of the intron before coding-DNA position 483, G replaced by C.
Molecular consequence: splice acceptor variant.
Genome position (GRCh38, 1-based): chr8:23,006,727, G>C. VCF-style: chr8-23006727-G-C. GRCh37 (hg19) VCF-style: chr8-22864240-G-C.
Other names: c.549-1G>C (NM_001160036.2); c.504-1G>C (NM_001160037.2); c.483-1G>C (NM_001374791.1).
Identifiers: ClinVar variation 4819532 (VCV004819532.1).

ClinVar aggregate classification (germline): Uncertain significance (1 of 4 stars; one submission).

Submission:

GeneDx
Classification: Uncertain significance. Last evaluated: 2025-10-04. Review status: criteria provided, single submitter. Criteria: GeneDx Variant Classification Process June 2021. Collection method: clinical testing. Allele origin: germline. Affected: yes.
Comment: Canonical splice site variant in a gene or region of a gene for which loss of function is not a well-established mechanism of disease; Not observed at significant frequency in large population cohorts (gnomAD); Has not been previously published as pathogenic or benign to our knowledge